The following is an entry in ClinVar:

ClinVar aggregate classification (germline): Likely pathogenic (1 of 4 stars; one submission).

Conditions:
Hereditary factor VIII deficiency disease (HEMA). Also called: AUTOSOMAL HEMOPHILIA A; HEMOPHILIA, CLASSIC; Hemophilia A; Hemophilia A, congenital; HEM A; Factor 8 deficiency, congenital. Identifiers: Orphanet 98878, MedGen C0019069, MONDO:0010602, OMIM 306700.

Submission:

3billion
Classification: Likely pathogenic for Hereditary factor VIII deficiency disease. Last evaluated: 2025-10-30. Review status: criteria provided, single submitter. Criteria: ACMG Guidelines, 2015. Collection method: clinical testing. Allele origin: germline. Affected: yes.
Comment: The variant is not observed in the gnomAD v4.1.0 dataset. Predicted Consequence/Location: Missense variant In silico tool predictions suggest damaging effect of the variant on gene or gene product [REVEL: 0.97 (>=0.6, sensitivity 0.68 and specificity 0.92); 3Cnet: 0.97 (> 0.75, sensitivity 0.96 and precision 0.92)]. The same nucleotide change resulting in the same amino acid change has been previously reported to be associated with F8-related disorder (PMID: 11442643). Different missense changes at the same codon (p.Asp2093Gly, p.Asp2093Val) have been reported to be associated with F8-related disorder (ClinVar ID: VCV000010308, VCV000618113 /PMID: 35770352, 8547094). Therefore, this variant is classified as Likely pathogenic according to the recommendation of ACMG/AMP guideline.

Literature cited by the submitters: PubMed 11442643; PubMed 35770352.

NM_000132.4(F8):c.6277G>T (p.Asp2093Tyr)

Gene: F8 (coagulation factor VIII; minus strand). Cytogenetic location: Xq28.
Variant type: single nucleotide variant.
Coding change: c.6277G>T on transcript NM_000132.4 (MANE Select); coding-DNA position 6277, G replaced by T.
Protein change: p.Asp2093Tyr; replaces aspartic acid 2093 with tyrosine.
Molecular consequence: missense variant.
Genome position (GRCh38, 1-based): chrX:154,896,229, C>A on the plus strand (G>T on the coding strand, the complement: F8 is on the minus strand). VCF-style: chrX-154896229-C-A. GRCh37 (hg19) VCF-style: chrX-154124504-C-A.
Other names: short protein forms D2093Y.
Identifiers: ClinVar variation 4856367 (VCV004856367.1).